The following is an entry in ClinVar:

ClinVar aggregate classification (germline): Uncertain significance (1 of 4 stars; one submission).

Conditions:
Hypertrophic cardiomyopathy. Also called: HYPERTROPHIC MYOCARDIOPATHY. Identifiers: Orphanet 217569, MedGen C0007194, MeSH D002312, MONDO:0005045, HP:0001639.

Submission:

Labcorp Genetics (formerly Invitae), Labcorp
Classification: Uncertain significance for Hypertrophic cardiomyopathy. Last evaluated: 2022-08-10. Review status: criteria provided, single submitter. Criteria: Invitae Variant Classification Sherloc (09022015). Collection method: clinical testing. Allele origin: germline.
Comment: In summary, the available evidence is currently insufficient to determine the role of this variant in disease. Therefore, it has been classified as a Variant of Uncertain Significance. This variant has not been reported in the literature in individuals affected with MYH7-related conditions. This variant is not present in population databases (gnomAD no frequency). This sequence change creates a premature translational stop signal (p.Trp593*) in the MYH7 gene. It is expected to result in an absent or disrupted protein product. However, the current clinical and genetic evidence is not sufficient to establish whether loss-of-function variants in MYH7 cause disease.

NM_000257.4(MYH7):c.1778G>A (p.Trp593Ter)

Gene: MYH7 (myosin heavy chain 7; minus strand). Cytogenetic location: 14q11.2.
Variant type: single nucleotide variant.
Coding change: c.1778G>A on transcript NM_000257.4 (MANE Select); coding-DNA position 1778, G replaced by A.
Protein change: p.Trp593Ter; replaces tryptophan 593 with a stop codon.
Molecular consequence: nonsense.
Genome position (GRCh38, 1-based): chr14:23,427,695, C>T on the plus strand (G>A on the coding strand, the complement: MYH7 is on the minus strand). VCF-style: chr14-23427695-C-T. GRCh37 (hg19) VCF-style: chr14-23896904-C-T.
Other names: c.1778G>A, p.Trp593Ter (NM_001407004.1); short protein forms W593*.
Identifiers: ClinVar variation 2023397 (VCV002023397.4), dbSNP rs2502296764, ClinGen allele CA389049838.